The following is an entry in ClinVar:

NM_001376.5(DYNC1H1):c.939C>T (p.Thr313=)

Gene: DYNC1H1 (dynein cytoplasmic 1 heavy chain 1; plus strand). Cytogenetic location: 14q32.31.
Variant type: single nucleotide variant.
Coding change: c.939C>T on transcript NM_001376.5 (MANE Select); coding-DNA position 939, C replaced by T.
Protein change: p.Thr313=; no amino-acid change (threonine 313 retained).
Molecular consequence: synonymous variant.
Genome position (GRCh38, 1-based): chr14:101,980,528, C>T. VCF-style: chr14-101980528-C-T. GRCh37 (hg19) VCF-style: chr14-102446865-C-T.
Identifiers: ClinVar variation 699935 (VCV000699935.13), dbSNP rs572233805, ClinGen allele CA7351607.

ClinVar aggregate classification (germline): Likely benign. Review status: criteria provided, multiple submitters, no conflicts (2 of 4 stars). 3 submissions from 3 submitters: Likely benign (2). 1 of the submissions does not count toward it. Last evaluated 2024-12-22.

Conditions:
DYNC1H1-related disorder. Also called: DYNC1H1-related condition; DYNC1H1-related disorders. Identifiers: MedGen CN381529.
Charcot-Marie-Tooth disease. Also called: Charcot-Marie-Tooth Neuropathy; Charcot-Marie-Tooth Hereditary Neuropathy. Identifiers: Orphanet 166, MedGen C0007959, MONDO:0015626.
Charcot-Marie-Tooth disease axonal type 2O. Also called: CHARCOT-MARIE-TOOTH NEUROPATHY, AXONAL, TYPE 2O; CHARCOT-MARIE-TOOTH DISEASE, AXONAL, AUTOSOMAL DOMINANT, TYPE 2O; Charcot-Marie-Tooth Neuropathy Type 2O; Charcot-Marie-Tooth disease, axonal, type 20. Identifiers: Orphanet 284232, MedGen C3280220, MONDO:0013644, OMIM 614228.

Allele frequency attached by ClinVar (database versions not stated): gnomAD 0.00003 and 0.00004; TOPMed 0.00003; ExAC 0.00004; gnomAD exomes 0.00005.
gnomAD v4.1: 75 of 1,614,038 alleles (0.0046%); highest among the groups gnomAD compares: South Asian, 0.024%; no homozygotes.

Submissions (3):

Labcorp Genetics (formerly Invitae), Labcorp
Classification: Likely benign for Charcot-Marie-Tooth disease axonal type 2O. Last evaluated: 2024-12-22. Review status: criteria provided, single submitter. Criteria: Invitae Variant Classification Sherloc (09022015). Collection method: clinical testing. Allele origin: germline.

Molecular Genetics Laboratory, London Health Sciences Centre
Classification: Likely benign for Charcot-Marie-Tooth disease. Review status: criteria provided, single submitter. Criteria: ACMG Guidelines, 2015. Collection method: clinical testing. Allele origin: germline. Affected: yes.

PreventionGenetics, part of Exact Sciences
Classification: Likely benign for DYNC1H1-related condition. Last evaluated: 2021-08-27. Review status: no assertion criteria provided. Collection method: clinical testing. Allele origin: germline. Not counted in ClinVar's aggregate classification.
Comment: This variant is classified as likely benign based on ACMG/AMP sequence variant interpretation guidelines (Richards et al. 2015 PMID: 25741868, with internal and published modifications).